The following is an entry in ClinVar:

NM_000038.6(APC):c.7789G>C (p.Gly2597Arg)

Gene: APC (APC regulator of Wnt signaling pathway; plus strand). Cytogenetic location: 5q22.2.
Variant type: single nucleotide variant.
Coding change: c.7789G>C on transcript NM_000038.6 (MANE Select); coding-DNA position 7789, G replaced by C.
Protein change: p.Gly2597Arg; replaces glycine 2597 with arginine.
Molecular consequence: missense variant. On other transcripts: non-coding transcript variant (2).
Genome position (GRCh38, 1-based): chr5:112,843,383, G>C. VCF-style: chr5-112843383-G-C. GRCh37 (hg19) VCF-style: chr5-112179080-G-C.
Other names: c.7540G>C, p.Gly2514Arg (NM_001407454.1, NM_001407455.1, NM_001407456.1 and 1 more transcripts); c.7486G>C, p.Gly2496Arg (NM_001407458.1, NM_001407459.1, NM_001407460.1 and 1 more transcripts); c.7402G>C, p.Gly2468Arg (NM_001407467.1, NM_001407469.1); c.6940G>C, p.Gly2314Arg (NM_001407470.1, NM_001354906.2); c.6637G>C, p.Gly2213Arg (NM_001407471.1, NM_001407472.1); c.7789G>C, p.Gly2597Arg (NM_001127510.3, NM_001354895.2, NM_001407450.1); c.7735G>C, p.Gly2579Arg (NM_001127511.3); c.7843G>C, p.Gly2615Arg (NM_001354896.2, NM_001407447.1, NM_001407448.1 and 1 more transcripts); and 11 more; short protein forms G2213R, G2314R, G2556R, G2569R, G2590R, G2607R, G2625R, G2471R.
Identifiers: ClinVar variation 3412716 (VCV003412716.1).
Genomic context (GRCh38, chr5:112,843,383, plus strand): 5'-TCATCAGAATCCAGTGAAAAAGCAAAAAGTGAGGATGAAAAACATGTGAACTCTATTTCA[G>C]GAACCAAACAAAGTAAAGAAAACCAAGTATCCGCAAAAGGAACATGGAGAAAAATAAAAG-3'
Protein context (NP_000029.2, residues 2587-2607): EDEKHVNSIS[Gly2597Arg]TKQSKENQVS

ClinVar aggregate classification (germline): Uncertain significance (1 of 4 stars; one submission).

Conditions:
Hereditary cancer-predisposing syndrome. Also called: Neoplastic Syndromes, Hereditary; Tumor predisposition; Hereditary Cancer Syndrome; Hereditary neoplastic syndrome. Identifiers: Orphanet 140162, MedGen C0027672, MeSH D009386, MONDO:0015356.

gnomAD v4.1: 1 of 1,613,582 alleles (0.000062%); highest among the groups gnomAD compares: Non-Finnish European, 0.000085%; no homozygotes.

Submission:

Ambry Genetics
Classification: Uncertain significance for Hereditary cancer-predisposing syndrome. Last evaluated: 2024-12-08. Review status: criteria provided, single submitter. Criteria: Ambry Variant Classification Scheme 2023. Collection method: clinical testing. Allele origin: germline.
Comment: The p.G2597R variant (also known as c.7789G>C), located in coding exon 15 of the APC gene, results from a G to C substitution at nucleotide position 7789. The glycine at codon 2597 is replaced by arginine, an amino acid with dissimilar properties. This amino acid position is conserved. In addition, in silico predictors for this gene do not accurately predict pathogenicity. Based on the available evidence, the clinical significance of this variant remains unclear.